The following is an entry in ClinVar:

ClinVar aggregate classification (germline): Uncertain significance (1 of 4 stars; one submission).

Conditions:
Developmental and epileptic encephalopathy 94 (DEE94). Also called: CHD2-Related Neurodevelopmental Disorders; Epileptic encephalopathy, childhood-onset. Identifiers: Orphanet 1942, Orphanet 2382, MedGen C3809278, MONDO:0014150, OMIM 615369.

gnomAD v4.1: 3 of 1,614,080 alleles (0.00019%); highest among the groups gnomAD compares: Non-Finnish European, 0.00025%; no homozygotes.

Submission:

Victorian Clinical Genetics Services, Murdoch Childrens Research Institute
Classification: Uncertain significance for Developmental and epileptic encephalopathy 94. Last evaluated: 2020-05-26. Review status: criteria provided, single submitter. Criteria: ACMG Guidelines, 2015. Collection method: clinical testing. Allele origin: germline. Inheritance: Autosomal dominant inheritance. Affected: yes.
Comment: Based on the classification scheme VCGS_Germline_v1.1.1, this variant is classified as 3C-VUS. Following criteria are met: 0102 - Loss-of-function is a known mechanism of disease for this gene. (N) 0107 - This gene is known to be associated with autosomal dominant disease. (N) 0200 - Variant is predicted to result in a missense amino acid change from proline to leucine (exon 38). (N) 0251 - Variant is heterozygous. (N) 0302 - Variant is present in gnomAD <0.001 for a dominant condition (1 heterozygote, 0 homozygotes). (P) 0502 - Missense variant with conflicting in silico predictions and/or uninformative conservation. (N) 0504 - Same amino acid change has been observed in mammals. (B) 0604 - Variant is not located in an established domain, motif, hotspot or informative constraint region. (N) 0705 - No comparable variants have previous evidence for pathogenicity. (N) 0807 - Variant has not previously been reported in a clinical context. (N) 0905 - No segregation evidence has been identified for this variant. (N) 1007 - No published functional evidence has been identified for this variant. (N) 1208 - Inheritance information for this variant is not currently available. (N) Legend: (P) - Pathogenic, (N) - Neutral, (B) - Benign

NM_001271.4(CHD2):c.4964C>T (p.Pro1655Leu)

Gene: CHD2 (chromodomain helicase DNA binding protein 2; plus strand). Cytogenetic location: 15q26.1.
Variant type: single nucleotide variant.
Coding change: c.4964C>T on transcript NM_001271.4 (MANE Select); coding-DNA position 4964, C replaced by T.
Protein change: p.Pro1655Leu; replaces proline 1655 with leucine.
Molecular consequence: missense variant.
Genome position (GRCh38, 1-based): chr15:93,020,069, C>T. VCF-style: chr15-93020069-C-T. GRCh37 (hg19) VCF-style: chr15-93563299-C-T.
Other names: short protein forms P1655L.
Identifiers: ClinVar variation 1805955 (VCV001805955.1), dbSNP rs1371556114, ClinGen allele CA393907564.